The following is an entry in ClinVar:

NM_020822.3(KCNT1):c.2030A>G (p.Gln677Arg)

Gene: KCNT1 (potassium sodium-activated channel subfamily T member 1; plus strand). Cytogenetic location: 9q34.3.
Variant type: single nucleotide variant.
Coding change: c.2030A>G on transcript NM_020822.3 (MANE Select); coding-DNA position 2030, A replaced by G.
Protein change: p.Gln677Arg; replaces glutamine 677 with arginine.
Molecular consequence: missense variant.
Genome position (GRCh38, 1-based): chr9:135,772,736, A>G. VCF-style: chr9-135772736-A-G. GRCh37 (hg19) VCF-style: chr9-138664582-A-G.
Other names: c.1895A>G, p.Gln632Arg (NM_001272003.2); short protein forms Q677R, Q632R.
Identifiers: ClinVar variation 417209 (VCV000417209.42), dbSNP rs1060505000, ClinGen allele CA16612804.

ClinVar aggregate classification (germline): Conflicting classifications of pathogenicity. Review status: criteria provided, conflicting classifications (1 of 4 stars). 5 submissions from 5 submitters: Uncertain significance (3); Likely benign (2). Last evaluated 2025-09-10.

Conditions:
Inborn genetic diseases. Identifiers: MedGen C0950123, MeSH D030342.
Developmental and epileptic encephalopathy, 14 (DEE14). Also called: Early infantile epileptic encephalopathy 14. Identifiers: Orphanet 293181, MedGen C3554195, MONDO:0013989, OMIM 614959.
Autosomal dominant nocturnal frontal lobe epilepsy 5. Also called: CILIARY DYSKINESIA, PRIMARY, 28, WITH SITUS INVERSUS; Epilepsy, nocturnal frontal lobe, 5; CILIARY DYSKINESIA, PRIMARY, 28, WITHOUT SITUS INVERSUS; KCNT1-Related Epilepsy. Identifiers: Orphanet 98784, MedGen C3554306, MONDO:0014002, OMIM 615005.

Allele frequency attached by ClinVar (database versions not stated): gnomAD exomes below 0.00001; TOPMed below 0.00001.
gnomAD v4.1: 7 of 1,421,620 alleles (0.00049%); highest among the groups gnomAD compares: African/African-American, 0.0044%; no homozygotes.

Submissions (5):

Genomic Medicine Center of Excellence, King Faisal Specialist Hospital and Research Centre
Classification: Uncertain significance for Developmental and epileptic encephalopathy, 14. Last evaluated: 2025-09-10. Review status: criteria provided, single submitter. Criteria: ACMG Guidelines, 2015. Collection method: clinical testing. Allele origin: germline.

Labcorp Genetics (formerly Invitae), Labcorp
Classification: Likely benign for Autosomal dominant nocturnal frontal lobe epilepsy 5; Developmental and epileptic encephalopathy, 14. Last evaluated: 2025-07-10. Review status: criteria provided, single submitter. Criteria: Invitae Variant Classification Sherloc (09022015). Collection method: clinical testing. Allele origin: germline.

CeGaT Center for Human Genetics Tuebingen
Classification: Uncertain significance. Last evaluated: 2022-10-01. Review status: criteria provided, single submitter. Criteria: CeGaT Center For Human Genetics Tuebingen Variant Classification Criteria Version 2. Collection method: clinical testing. Allele origin: germline. Affected: yes. Observed: 1 variant allele.
Comment: KCNT1: PM2

GeneDx
Classification: Likely benign. Last evaluated: 2017-11-13. Review status: criteria provided, single submitter. Criteria: GeneDx Variant Classification (06012015). Collection method: clinical testing. Allele origin: germline. Affected: yes.
Comment: This variant is considered likely benign or benign based on one or more of the following criteria: it is a conservative change, it occurs at a poorly conserved position in the protein, it is predicted to be benign by multiple in silico algorithms, and/or has population frequency not consistent with disease.

Ambry Genetics
Classification: Uncertain significance for Inborn genetic diseases. Last evaluated: 2017-05-03. Review status: criteria provided, single submitter. Criteria: Ambry Variant Classification Scheme 2023. Collection method: clinical testing. Allele origin: germline.
Comment: The p.Q677R variant (also known as c.2030A>G), located in coding exon 19 of the KCNT1 gene, results from an A to G substitution at nucleotide position 2030. The glutamine at codon 677 is replaced by arginine, an amino acid with highly similar properties. This amino acid position is highly conserved in available vertebrate species. In addition, this alteration is predicted to be tolerated by in silico analysis. Since supporting evidence is limited at this time, the clinical significance of this alteration remains unclear.